The following is an entry in ClinVar:

ClinVar aggregate classification (germline): Pathogenic (1 of 4 stars; one submission).

Conditions:
Severe myoclonic epilepsy in infancy (DRVT). Also called: Epileptic encephalopathy, early infantile, 6 (Dravet syndrome); SEVERE MYOCLONIC EPILEPSY OF INFANCY; DEVELOPMENTAL AND EPILEPTIC ENCEPHALOPATHY 6A; Severe Myoclonic Epilepsy in Infancy (SMEI); Dravet syndrome. Identifiers: Orphanet 33069, MedGen C0751122, MONDO:0100135, OMIM 607208.

Submission:

Center for Bioinformatics, Peking University
Classification: Pathogenic for Dravet syndrome. Last evaluated: 2014-12-20. Review status: criteria provided, single submitter. Criteria: Xu et al. (Hum Mutat. 2015). Collection method: research. Allele origin: de novo. Affected: yes. Observed: 1 variant allele. Study: University Clinical Cooperation “985 Project” PKU-2014-1-1.
Comment: Dravet syndrome (DS) probands were recruited from the outpatient and inpatient child neurology units of Peking University First Hospital from 2005 till present. The study was approved by the Ethics Committee of Peking University First Hospital and the Institutional Review Board at Peking University. Participants or their parents provided written informed consent before enrollment. We collected a total of 267 mutations from 255 families with probands diagnosed with DS in China. All probands fulfilled the clinical diagnostic criteria.

NM_001165963.4(SCN1A):c.2071A>T (p.Lys691Ter)

Gene: SCN1A (sodium voltage-gated channel alpha subunit 1; minus strand). Cytogenetic location: 2q24.3.
Variant type: single nucleotide variant.
Coding change: c.2071A>T on transcript NM_001165963.4 (MANE Select); coding-DNA position 2071, A replaced by T.
Protein change: p.Lys691Ter; replaces lysine 691 with a stop codon.
Molecular consequence: nonsense. On other transcripts: 5 prime UTR variant (1), non-coding transcript variant (1).
Genome position (GRCh38, 1-based): chr2:166,042,397, T>A on the plus strand (A>T on the coding strand, the complement: SCN1A is on the minus strand). VCF-style: chr2-166042397-T-A. GRCh37 (hg19) VCF-style: chr2-166898907-T-A.
Other names: c.1987A>T, p.Lys663Ter (NM_001165964.3, NM_001353957.2, NM_001353958.2); c.2071A>T, p.Lys691Ter (NM_001202435.3, NM_001353948.2); c.2038A>T, p.Lys680Ter (NM_001353949.2, NM_001353950.2, NM_001353951.2 and 2 more transcripts); c.2035A>T, p.Lys679Ter (NM_001353954.2, NM_001353955.2); c.1984A>T, p.Lys662Ter (NM_001353960.2); c.-388A>T (NM_001353961.2); short protein forms K680*, K691*, K663*, K662*, K679*.
Identifiers: ClinVar variation 189906 (VCV000189906.1), dbSNP rs794726747, ClinGen allele CA303271.